The following is an entry in ClinVar:

ClinVar aggregate classification (germline): Uncertain significance. Review status: criteria provided, multiple submitters, no conflicts (2 of 4 stars). 4 submissions from 4 submitters: Uncertain significance (3). 1 of the submissions does not count toward it. Last evaluated 2026-06-11.

Conditions:
Inborn genetic diseases. Identifiers: MedGen C0950123, MeSH D030342.
Holocarboxylase synthetase deficiency. Also called: MULTIPLE CARBOXYLASE DEFICIENCY, EARLY ONSET. Identifiers: Orphanet 79242, MedGen C0268581, MONDO:0009666, OMIM 253270.

Allele frequency attached by ClinVar (database versions not stated): gnomAD 0.00001; TOPMed 0.00001; ExAC 0.00004; gnomAD exomes 0.00004 and 0.00005.
gnomAD v4.1: 59 of 1,608,830 alleles (0.0037%); highest among the groups gnomAD compares: East Asian, 0.1%; no homozygotes.

Submissions (4):

Myriad Genetics, Inc.
Classification: Uncertain significance for Holocarboxylase synthetase deficiency. Last evaluated: 2026-06-11. Review status: criteria provided, single submitter. Criteria: Myriad Autosomal Dominant, Autosomal Recessive and X-Linked Classification Criteria (2023). Collection method: clinical testing. Allele origin: unknown.
Comment: NM_000411.6(HLCS):c.1694G>A(R565Q) is a missense variant classified as a variant of uncertain significance in the context of holocarboxylase synthetase deficiency. R565Q has not been observed in cases with relevant disease. Relevant functional assessments of this variant are not available in the literature. R565Q has been observed in referenced population frequency databases. In summary, there is insufficient evidence to classify NM_000411.6(HLCS):c.1694G>A(R565Q) as pathogenic or benign. Please note: this variant was assessed in the context of healthy population screening.

Labcorp Genetics (formerly Invitae), Labcorp
Classification: Uncertain significance for Holocarboxylase synthetase deficiency. Last evaluated: 2022-08-23. Review status: criteria provided, single submitter. Criteria: Invitae Variant Classification Sherloc (09022015). Collection method: clinical testing. Allele origin: germline.
Comment: This sequence change replaces arginine, which is basic and polar, with glutamine, which is neutral and polar, at codon 565 of the HLCS protein (p.Arg565Gln). This variant is present in population databases (rs769446135, gnomAD 0.05%). This variant has not been reported in the literature in individuals affected with HLCS-related conditions. ClinVar contains an entry for this variant (Variation ID: 529439). Advanced modeling of protein sequence and biophysical properties (such as structural, functional, and spatial information, amino acid conservation, physicochemical variation, residue mobility, and thermodynamic stability) performed at Invitae indicates that this missense variant is expected to disrupt HLCS protein function. In summary, the available evidence is currently insufficient to determine the role of this variant in disease. Therefore, it has been classified as a Variant of Uncertain Significance.

Ambry Genetics
Classification: Uncertain significance for Inborn genetic diseases. Last evaluated: 2022-01-12. Review status: criteria provided, single submitter. Criteria: Ambry Variant Classification Scheme 2023. Collection method: clinical testing. Allele origin: germline.

Natera, Inc.
Classification: Uncertain significance for Holocarboxylase synthetase deficiency. Last evaluated: 2019-10-28. Review status: no assertion criteria provided. Collection method: clinical testing. Allele origin: germline. Not counted in ClinVar's aggregate classification.

NM_001352514.2(HLCS):c.2135G>A (p.Arg712Gln)

Gene: HLCS (holocarboxylase synthetase; minus strand). Cytogenetic location: 21q22.13.
Variant type: single nucleotide variant.
Coding change: c.2135G>A on transcript NM_001352514.2 (MANE Select); coding-DNA position 2135, G replaced by A.
Protein change: p.Arg712Gln; replaces arginine 712 with glutamine.
Molecular consequence: missense variant. On other transcripts: non-coding transcript variant (2).
Genome position (GRCh38, 1-based): chr21:36,759,828, C>T on the plus strand (G>A on the coding strand, the complement: HLCS is on the minus strand). VCF-style: chr21-36759828-C-T. GRCh37 (hg19) VCF-style: chr21-38132129-C-T.
Other names: c.1694G>A, p.Arg565Gln (NM_000411.8, NM_001242784.3, NM_001242785.2 and 4 more transcripts); short protein forms R565Q, R712Q.
Identifiers: ClinVar variation 529439 (VCV000529439.8), dbSNP rs769446135, ClinGen allele CA10020345.